The following is an entry in ClinVar:

ClinVar aggregate classification (germline): Uncertain significance (1 of 4 stars; one submission).

Conditions:
Dyskeratosis congenita, autosomal dominant 1 (DKCA1). Also called: Dyskeratosis congenita Scoggins type. Identifiers: Orphanet 1775, MedGen C4551974, MONDO:0007485, OMIM 127550. Inheritance: Variable.

Submission:

Labcorp Genetics (formerly Invitae), Labcorp
Classification: Uncertain significance for Dyskeratosis congenita, autosomal dominant 1. Last evaluated: 2025-06-06. Review status: criteria provided, single submitter. Criteria: Invitae Variant Classification Sherloc (09022015). Collection method: clinical testing. Allele origin: germline.
Comment: This variant occurs in the TERC gene, which encodes an RNA molecule that does not result in a protein product. This variant is not present in population databases (gnomAD no frequency). This variant has not been reported in the literature in individuals affected with TERC-related conditions. ClinVar contains an entry for this variant (Variation ID: 1519766). This variant is located within the template/pseudoknot domain of the TERC RNA component, which is required for RNA or RNP stability (PMID: 15082312, 21844345). This variant is located in a region of TERC in which a significant number of disease causing variants have been reported (PMID: 15082312, 21844345, 21931702). These observations suggest that this may be a clinically significant region. In summary, the available evidence is currently insufficient to determine the role of this variant in disease. Therefore, it has been classified as a Variant of Uncertain Significance.

Literature cited by the submitters: PubMed 15082312; PubMed 21844345; PubMed 21931702.

NC_000003.12:g.169765005G>C

Genes: TERC (telomerase RNA component; minus strand), LOC110806306 (telomerase RNA component (TERC) promoter; plus strand). Cytogenetic location: 3q26.2.
Variant type: single nucleotide variant.
Genome position: GRCh38 VCF-style: chr3-169765005-G-C. GRCh37 (hg19) VCF-style: chr3-169482793-G-C.
Identifiers: ClinVar variation 1519766 (VCV001519766.6), dbSNP rs1777964433, ClinGen allele CA436715934.